The following is an entry in ClinVar:

NM_000493.4(COL10A1):c.1654T>A (p.Ser552Thr)

Genes: COL10A1 (collagen type X alpha 1 chain; minus strand), NT5DC1 (5'-nucleotidase domain containing 1; plus strand). Cytogenetic location: 6q22.1.
Variant type: single nucleotide variant.
Coding change: c.1654T>A on transcript NM_000493.4 (MANE Select); coding-DNA position 1654, T replaced by A.
Protein change: p.Ser552Thr; replaces serine 552 with threonine.
Molecular consequence: missense variant. On other transcripts: intron variant (1).
Genome position (GRCh38, 1-based): chr6:116,120,462, A>T on the plus strand (T>A on the coding strand, the complement: COL10A1 is on the minus strand). VCF-style: chr6-116120462-A-T. GRCh37 (hg19) VCF-style: chr6-116441625-A-T.
Other names: c.1654T>A, p.Ser552Thr (NM_001424106.1, NM_001424107.1); c.529+2517A>T (NM_152729.3); short protein forms S552T.
Identifiers: ClinVar variation 2415772 (VCV002415772.8), dbSNP rs764376492, ClinGen allele CA365387345.
Genomic context (GRCh38, chr6:116,120,462, plus strand): 5'-CAAATGGTATGGGAGTTCCTATTGCTGGGTAAGCTTTGGAGAGAATAACAGTAAAAGCAG[A>T]CACAGGCATTCCTGTTACCCCCTGGTTGGCACTAACAAGAGGGGTCCCAGAAAGACTGGG-3'
Protein context (NP_000484.2, residues 542-562): ANQGVTGMPV[Ser552Thr]AFTVILSKAY

ClinVar aggregate classification (germline): Uncertain significance. Review status: criteria provided, multiple submitters, no conflicts (2 of 4 stars). 2 submissions from 2 submitters: Uncertain significance (2). Last evaluated 2023-12-20.

Submissions (2):

Blueprint Genetics
Classification: Uncertain significance. Last evaluated: 2023-12-20. Review status: criteria provided, single submitter. Criteria: ACMG Guidelines, 2015. Collection method: clinical testing. Allele origin: germline.

Labcorp Genetics (formerly Invitae), Labcorp
Classification: Uncertain significance. Last evaluated: 2022-03-09. Review status: criteria provided, single submitter. Criteria: Invitae Variant Classification Sherloc (09022015). Collection method: clinical testing. Allele origin: germline.
Comment: In summary, the available evidence is currently insufficient to determine the role of this variant in disease. Therefore, it has been classified as a Variant of Uncertain Significance. Algorithms developed to predict the effect of missense changes on protein structure and function are either unavailable or do not agree on the potential impact of this missense change (SIFT: "Tolerated"; PolyPhen-2: "Probably Damaging"; Align-GVGD: "Class C0"). This variant has not been reported in the literature in individuals affected with COL10A1-related conditions. This variant is not present in population databases (gnomAD no frequency). This sequence change replaces serine, which is neutral and polar, with threonine, which is neutral and polar, at codon 552 of the COL10A1 protein (p.Ser552Thr).